The following is an entry in ClinVar:

NC_000002.12:g.(?_47783228)_(47783499_?)del

Genes: MSH6 (mutS homolog 6; plus strand), LOC129933707 (ATAC-STARR-seq lymphoblastoid silent region 11468; plus strand). Cytogenetic location: 2p16.3.
Variant type: Deletion.
Identifiers: ClinVar variation 455065 (VCV000455065.1).

ClinVar aggregate classification (germline): Pathogenic (1 of 4 stars; one submission).

Conditions:
Hereditary nonpolyposis colorectal neoplasms. Identifiers: MedGen C0009405, MeSH D003123.

Submission:

Labcorp Genetics (formerly Invitae), Labcorp
Classification: Pathogenic for Hereditary nonpolyposis colon cancer. Last evaluated: 2018-01-20. Review status: criteria provided, single submitter. Criteria: Invitae Variant Classification Sherloc (09022015). Collection method: clinical testing. Allele origin: germline.
Comment: This variant is a gross deletion of the genomic region encompassing exon 1 of the MSH6 gene, which includes the initiator codon. The 5' end of this event is unknown as it extends beyond the assayed region for this gene and therefore may encompass additional genes. The 3' boundary is likely confined to intron 1 of the MSH6 gene. This is expected to result in an absent or disrupted protein product. A deletion of exon 1 has not been reported in the literature in individuals with MSH6-related disease. Loss-of-function variants in MSH6 are known to be pathogenic (PMID: 18269114, 24362816). For these reasons, this variant has been classified as Pathogenic.